The following is an entry in ClinVar:

ClinVar aggregate classification (germline): Uncertain significance (1 of 4 stars; one submission).

gnomAD v4.1: 1 of 1,611,482 alleles (0.000062%); highest among the groups gnomAD compares: African/African-American, 0.0013%; no homozygotes.

Submission:

Ambry Genetics
Classification: Uncertain significance. Last evaluated: 2025-03-07. Review status: criteria provided, single submitter. Criteria: Ambry Variant Classification Scheme 2023. Collection method: clinical testing. Allele origin: germline.
Comment: The p.P490A variant (also known as c.1468C>G), located in coding exon 6 of the WNK2 gene, results from a C to G substitution at nucleotide position 1468. The proline at codon 490 is replaced by alanine, an amino acid with highly similar properties. This amino acid position is conserved. In addition, this alteration is predicted to be tolerated by in silico analysis. Based on the available evidence, the clinical significance of this variant remains unclear.

NM_006648.4(WNK2):c.1468C>G (p.Pro490Ala)

Gene: WNK2 (WNK lysine deficient protein kinase 2; plus strand). Cytogenetic location: 9q22.31.
Variant type: single nucleotide variant.
Coding change: c.1468C>G on transcript NM_006648.4 (MANE Select); coding-DNA position 1468, C replaced by G.
Protein change: p.Pro490Ala; replaces proline 490 with alanine.
Molecular consequence: missense variant.
Genome position (GRCh38, 1-based): chr9:93,239,902, C>G. VCF-style: chr9-93239902-C-G. GRCh37 (hg19) VCF-style: chr9-96002184-C-G.
Other names: c.1468C>G, p.Pro490Ala (NM_001282394.3); short protein forms P490A.
Identifiers: ClinVar variation 3817221 (VCV003817221.1).